The following is an entry in ClinVar:

ClinVar aggregate classification (germline): Uncertain significance (1 of 4 stars; one submission).

Conditions:
Ataxia-telangiectasia syndrome (AT). Also called: Ataxia-telangiectasia, complementation group D; AT, COMPLEMENTATION GROUP C; ATAXIA-TELANGIECTASIA, COMPLEMENTATION GROUP A; ATAXIA-TELANGIECTASIA, FRESNO VARIANT; Ataxia telangiectasia (A-T); Ataxia-telangiectasia. Identifiers: Orphanet 100, MedGen C0004135, MONDO:0008840, OMIM 208900.

Submission:

Labcorp Genetics (formerly Invitae), Labcorp
Classification: Uncertain significance for Ataxia-telangiectasia syndrome. Last evaluated: 2022-01-18. Review status: criteria provided, single submitter. Criteria: Invitae Variant Classification Sherloc (09022015). Collection method: clinical testing. Allele origin: germline.
Comment: Advanced modeling of protein sequence and biophysical properties (such as structural, functional, and spatial information, amino acid conservation, physicochemical variation, residue mobility, and thermodynamic stability) performed at Invitae indicates that this missense variant is not expected to disrupt ATM protein function. In summary, the available evidence is currently insufficient to determine the role of this variant in disease. Therefore, it has been classified as a Variant of Uncertain Significance. This variant has not been reported in the literature in individuals affected with ATM-related conditions. This variant is not present in population databases (gnomAD no frequency). This sequence change replaces aspartic acid, which is acidic and polar, with asparagine, which is neutral and polar, at codon 1080 of the ATM protein (p.Asp1080Asn).

NM_000051.4(ATM):c.3238G>A (p.Asp1080Asn)

Gene: ATM (ATM serine/threonine kinase; plus strand). Cytogenetic location: 11q22.3.
Variant type: single nucleotide variant.
Coding change: c.3238G>A on transcript NM_000051.4 (MANE Select); coding-DNA position 3238, G replaced by A.
Protein change: p.Asp1080Asn; replaces aspartic acid 1080 with asparagine.
Molecular consequence: missense variant.
Genome position (GRCh38, 1-based): chr11:108,272,806, G>A. VCF-style: chr11-108272806-G-A. GRCh37 (hg19) VCF-style: chr11-108143533-G-A.
Other names: c.3238G>A, p.Asp1080Asn (NM_001351834.2); short protein forms D1080N.
Identifiers: ClinVar variation 2087467 (VCV002087467.4), dbSNP rs2135572059, ClinGen allele CA382515969.